The following is an entry in ClinVar:

NM_002485.5(NBN):c.896+13T>C

Gene: NBN (nibrin; minus strand). Cytogenetic location: 8q21.3.
Variant type: single nucleotide variant.
Coding change: c.896+13T>C on transcript NM_002485.5 (MANE Select); 13 bases into the intron after coding-DNA position 896, T replaced by C.
Molecular consequence: intron variant.
Genome position (GRCh38, 1-based): chr8:89,970,351, A>G on the plus strand (T>C on the coding strand, the complement: NBN is on the minus strand). VCF-style: chr8-89970351-A-G. GRCh37 (hg19) VCF-style: chr8-90982579-A-G.
Other names: c.650+13T>C (NM_001024688.3).
Identifiers: ClinVar variation 492133 (VCV000492133.10), dbSNP rs376695206, ClinGen allele CA658683513.
Genomic context (GRCh38, chr8:89,970,351, plus strand): 5'-GAAAAGCAACAAAAAAGGTTAAACATAAAATCTCCTACTTGCAGTTTTTTACTAATAAAG[A>G]ATAATTCTATACCTTTGGAGCATATCCATTATTGACTGAATCCATTTCTTCTGACAGTCA-3'

ClinVar aggregate classification (germline): Likely benign. Review status: criteria provided, multiple submitters, no conflicts (2 of 4 stars). 2 submissions from 2 submitters: Likely benign (2). Last evaluated 2024-12-10.

Conditions:
Microcephaly, normal intelligence and immunodeficiency (NBS). Also called: BERLIN BREAKAGE SYNDROME; Ataxia telangiectasia variant V1; IMMUNODEFICIENCY, MICROCEPHALY, AND CHROMOSOMAL INSTABILITY; SEEMANOVA SYNDROME II; Immunodeficiency, microcephaly with normal intelligence; Nijmegen breakage syndrome. Identifiers: Orphanet 647, MedGen C0398791, MONDO:0009623, OMIM 251260.

Allele frequency attached by ClinVar (database versions not stated): TOPMed 0.00001.
gnomAD v4.1: 4 of 1,591,064 alleles (0.00025%); highest among the groups gnomAD compares: Non-Finnish European, 0.00034%; no homozygotes.

Submissions (2):

Labcorp Genetics (formerly Invitae), Labcorp
Classification: Likely benign for Microcephaly, normal intelligence and immunodeficiency. Last evaluated: 2024-12-10. Review status: criteria provided, single submitter. Criteria: Invitae Variant Classification Sherloc (09022015). Collection method: clinical testing. Allele origin: germline.

GeneDx
Classification: Likely benign. Last evaluated: 2017-10-27. Review status: criteria provided, single submitter. Criteria: GeneDx Variant Classification (06012015). Collection method: clinical testing. Allele origin: germline. Affected: yes.
Comment: This variant is considered likely benign or benign based on one or more of the following criteria: it is a conservative change, it occurs at a poorly conserved position in the protein, it is predicted to be benign by multiple in silico algorithms, and/or has population frequency not consistent with disease.